The following is an entry in ClinVar:

NM_022041.4(GAN):c.1220T>C (p.Leu407Ser)

Gene: GAN (gigaxonin; plus strand). Cytogenetic location: 16q23.2.
Variant type: single nucleotide variant.
Coding change: c.1220T>C on transcript NM_022041.4 (MANE Select); coding-DNA position 1220, T replaced by C.
Protein change: p.Leu407Ser; replaces leucine 407 with serine.
Molecular consequence: missense variant.
Genome position (GRCh38, 1-based): chr16:81,363,927, T>C. VCF-style: chr16-81363927-T-C. GRCh37 (hg19) VCF-style: chr16-81397532-T-C.
Other names: c.581T>C, p.Leu194Ser (NM_001377486.1); short protein forms L194S, L407S.
Identifiers: ClinVar variation 2038157 (VCV002038157.4), dbSNP rs2507747210, ClinGen allele CA396890734.

ClinVar aggregate classification (germline): Uncertain significance (1 of 4 stars; one submission).

Conditions:
Giant axonal neuropathy 1 (GAN1). Also called: GIANT AXONAL NEUROPATHY 1, AUTOSOMAL RECESSIVE; GAN-Related Neurodegeneration. Identifiers: Orphanet 643, MedGen C1850386, MONDO:0009749, OMIM 256850.

Submission:

Labcorp Genetics (formerly Invitae), Labcorp
Classification: Uncertain significance for Giant axonal neuropathy 1. Last evaluated: 2022-08-22. Review status: criteria provided, single submitter. Criteria: Invitae Variant Classification Sherloc (09022015). Collection method: clinical testing. Allele origin: germline.
Comment: In summary, the available evidence is currently insufficient to determine the role of this variant in disease. Therefore, it has been classified as a Variant of Uncertain Significance. Algorithms developed to predict the effect of missense changes on protein structure and function are either unavailable or do not agree on the potential impact of this missense change (SIFT: "Deleterious"; PolyPhen-2: "Possibly Damaging"; Align-GVGD: "Class C0"). This variant has not been reported in the literature in individuals affected with GAN-related conditions. This variant is not present in population databases (gnomAD no frequency). This sequence change replaces leucine, which is neutral and non-polar, with serine, which is neutral and polar, at codon 407 of the GAN protein (p.Leu407Ser).